The following is an entry in ClinVar:

NM_001943.5(DSG2):c.13C>T (p.Pro5Ser)

Genes: DSG2 (desmoglein 2; plus strand), LOC130062340 (ATAC-STARR-seq lymphoblastoid silent region 9384; plus strand). Cytogenetic location: 18q12.1.
Variant type: single nucleotide variant.
Coding change: c.13C>T on transcript NM_001943.5 (MANE Select); coding-DNA position 13, C replaced by T.
Protein change: p.Pro5Ser; replaces proline 5 with serine.
Molecular consequence: missense variant.
Genome position (GRCh38, 1-based): chr18:31,498,264, C>T. VCF-style: chr18-31498264-C-T. GRCh37 (hg19) VCF-style: chr18-29078227-C-T.
Other names: short protein forms P5S.
Identifiers: ClinVar variation 3074080 (VCV003074080.2), dbSNP rs2072994151, ClinGen allele CA402127563.

ClinVar aggregate classification (germline): Uncertain significance. Review status: criteria provided, multiple submitters, no conflicts (2 of 4 stars). 2 submissions from 2 submitters: Uncertain significance (2). Last evaluated 2026-08-10.

Conditions:
Arrhythmogenic right ventricular cardiomyopathy (ARVD). Also called: Cardiomyopathy, ARVC; Arrhythmogenic right ventricular dysplasia; Arrhythmogenic cardiomyopathy; Arrhythmogenic Right Ventricular Cardiomyopathy (ARVC). Identifiers: Orphanet 247, MedGen C0349788, MeSH D019571, MONDO:0016587. Disease mechanism: loss of function. Inheritance: Various modes of inheritance.
Cardiovascular phenotype. Identifiers: MedGen CN230736.

Allele frequency attached by ClinVar (database versions not stated): TOPMed below 0.00001.

Submissions (2):

Ambry Genetics
Classification: Uncertain significance for Cardiovascular phenotype. Last evaluated: 2026-08-10. Review status: criteria provided, single submitter. Criteria: Ambry Variant Classification Scheme 2023. Collection method: clinical testing. Allele origin: germline.
Comment: The p.P5S variant (also known as c.13C>T), located in coding exon 1 of the DSG2 gene, results from a C to T substitution at nucleotide position 13. The proline at codon 5 is replaced by serine, an amino acid with similar properties. This amino acid position is conserved. In addition, this alteration is predicted to be tolerated by in silico analysis. Based on the available evidence, the clinical significance of this variant remains unclear.

All of Us Research Program, National Institutes of Health
Classification: Uncertain significance for Arrhythmogenic right ventricular cardiomyopathy. Last evaluated: 2023-10-23. Review status: criteria provided, single submitter. Criteria: ACMG Guidelines, 2015. Collection method: clinical testing. Allele origin: germline. Inheritance: Autosomal dominant inheritance. Observed: 1 variant allele, 1 heterozygote.
Comment: This missense variant replaces proline with serine at codon 5 of the DSG2 protein. Computational prediction suggests that this variant may not impact protein structure and function (internally defined REVEL score threshold <= 0.5, PMID: 27666373). To our knowledge, functional studies have not been reported for this variant. This variant has not been reported in individuals affected with cardiovascular disorders in the literature. This variant has not been identified in the general population by the Genome Aggregation Database (gnomAD). The available evidence is insufficient to determine the role of this variant in disease conclusively. Therefore, this variant is classified as a Variant of Uncertain Significance.

This study involves interpretation of variants in research participants for the purpose of population health screening. Participant phenotype was not available at the time of variant classification. Additional details can be found in publication PMID: 35346344, PMCID: PMC8962531